The following is an entry in ClinVar:

NM_020937.4(FANCM):c.2834G>C (p.Gly945Ala)

Gene: FANCM (FA complementation group M; plus strand). Cytogenetic location: 14q21.2.
Variant type: single nucleotide variant.
Coding change: c.2834G>C on transcript NM_020937.4 (MANE Select); coding-DNA position 2834, G replaced by C.
Protein change: p.Gly945Ala; replaces glycine 945 with alanine.
Molecular consequence: missense variant.
Genome position (GRCh38, 1-based): chr14:45,175,588, G>C. VCF-style: chr14-45175588-G-C. GRCh37 (hg19) VCF-style: chr14-45644791-G-C.
Other names: c.2756G>C, p.Gly919Ala (NM_001308133.2); short protein forms G919A, G945A.
Identifiers: ClinVar variation 1512322 (VCV001512322.9), dbSNP rs1193165722, ClinGen allele CA389599278.
Genomic context (GRCh38, chr14:45,175,588, plus strand): 5'-CAGAGTGTCAGTTTACAAATAAATCCACTAGTTCACTTGCTGGAAATGTTTTAGATTCTG[G>C]TTATAACAGTTTCAATGATGAAAAATCTGTTTCATCTAACTTATTTCTTCCATTCGAAGA-3'
Protein context (NP_065988.1, residues 935-955): SSLAGNVLDS[Gly945Ala]YNSFNDEKSV

ClinVar aggregate classification (germline): Uncertain significance. Review status: criteria provided, multiple submitters, no conflicts (2 of 4 stars). 3 submissions from 3 submitters: Uncertain significance (3). Last evaluated 2025-09-27.

Conditions:
Inborn genetic diseases. Identifiers: MedGen C0950123, MeSH D030342.
Fanconi anemia (FA). Also called: Fanconi's anemia. Identifiers: Orphanet 84, MedGen C0015625, MeSH D005199, MONDO:0019391.

gnomAD v4.1: 2 of 1,613,532 alleles (0.00012%); highest among the groups gnomAD compares: Non-Finnish European, 0.00017%; no homozygotes.

Submissions (3):

Labcorp Genetics (formerly Invitae), Labcorp
Classification: Uncertain significance for Fanconi anemia. Last evaluated: 2025-09-27. Review status: criteria provided, single submitter. Criteria: Invitae Variant Classification Sherloc (09022015). Collection method: clinical testing. Allele origin: germline.
Comment: This sequence change replaces glycine, which is neutral and non-polar, with alanine, which is neutral and non-polar, at codon 945 of the FANCM protein (p.Gly945Ala). This variant is not present in population databases (gnomAD no frequency). This variant has not been reported in the literature in individuals affected with FANCM-related conditions. ClinVar contains an entry for this variant (Variation ID: 1512322). An algorithm developed to predict the effect of missense changes on protein structure and function (PolyPhen-2) suggests that this variant is likely to be disruptive. In summary, the available evidence is currently insufficient to determine the role of this variant in disease. Therefore, it has been classified as a Variant of Uncertain Significance.

Ambry Genetics
Classification: Uncertain significance for Inborn genetic diseases. Last evaluated: 2025-08-01. Review status: criteria provided, single submitter. Criteria: Ambry Variant Classification Scheme 2023. Collection method: clinical testing. Allele origin: germline.

GeneDx
Classification: Uncertain significance. Last evaluated: 2022-07-11. Review status: criteria provided, single submitter. Criteria: GeneDx Variant Classification Process June 2021. Collection method: clinical testing. Allele origin: germline. Affected: yes.
Comment: Not observed at significant frequency in large population cohorts (gnomAD); In silico analysis supports that this missense variant has a deleterious effect on protein structure/function; Has not been previously published as pathogenic or benign to our knowledge